The following is an entry in ClinVar:

ClinVar aggregate classification (germline): Likely benign (1 of 4 stars; one submission).

Allele frequency attached by ClinVar (database versions not stated): TOPMed below 0.00001; gnomAD 0.00001; gnomAD exomes 0.00001.
gnomAD v4.1: 11 of 1,536,880 alleles (0.00072%); highest among the groups gnomAD compares: Non-Finnish European, 0.00096%; no homozygotes.

Submission:

CeGaT Center for Human Genetics Tuebingen
Classification: Likely benign. Last evaluated: 2022-11-01. Review status: criteria provided, single submitter. Criteria: CeGaT Center For Human Genetics Tuebingen Variant Classification Criteria Version 2. Collection method: clinical testing. Allele origin: germline. Affected: yes. Observed: 1 variant allele.
Comment: PIEZO2: BP4, BP7

NM_001378183.1(PIEZO2):c.6354C>T (p.Asn2118=)

Gene: PIEZO2 (piezo type mechanosensitive ion channel component 2; minus strand). Cytogenetic location: 18p11.22.
Variant type: single nucleotide variant.
Coding change: c.6354C>T on transcript NM_001378183.1 (MANE Select); coding-DNA position 6354, C replaced by T.
Protein change: p.Asn2118=; no amino-acid change (asparagine 2118 retained).
Molecular consequence: synonymous variant.
Genome position (GRCh38, 1-based): chr18:10,702,076, G>A on the plus strand (C>T on the coding strand, the complement: PIEZO2 is on the minus strand). VCF-style: chr18-10702076-G-A. GRCh37 (hg19) VCF-style: chr18-10702074-G-A.
Other names: c.6090C>T, p.Asn2030= (NM_001410871.1); c.6015C>T, p.Asn2005= (NM_022068.4).
Identifiers: ClinVar variation 2648585 (VCV002648585.24), dbSNP rs1200814977, ClinGen allele CA502866288.